The following is an entry in ClinVar:

NM_001035.3(RYR2):c.2308A>G (p.Ile770Val)

Gene: RYR2 (ryanodine receptor 2; plus strand). Cytogenetic location: 1q43.
Variant type: single nucleotide variant.
Coding change: c.2308A>G on transcript NM_001035.3 (MANE Select); coding-DNA position 2308, A replaced by G.
Protein change: p.Ile770Val; replaces isoleucine 770 with valine.
Molecular consequence: missense variant.
Genome position (GRCh38, 1-based): chr1:237,500,815, A>G. VCF-style: chr1-237500815-A-G. GRCh37 (hg19) VCF-style: chr1-237664115-A-G.
Other names: short protein forms I770V.
Identifiers: ClinVar variation 1789379 (VCV001789379.2), dbSNP rs2545868899, ClinGen allele CA345393213.

ClinVar aggregate classification (germline): Uncertain significance (1 of 4 stars; one submission).

Conditions:
Cardiovascular phenotype. Identifiers: MedGen CN230736.

Submission:

Ambry Genetics
Classification: Uncertain significance for Cardiovascular phenotype. Last evaluated: 2020-08-25. Review status: criteria provided, single submitter. Criteria: Ambry Variant Classification Scheme 2023. Collection method: clinical testing. Allele origin: germline.
Comment: The p.I770V variant (also known as c.2308A>G), located in coding exon 21 of the RYR2 gene, results from an A to G substitution at nucleotide position 2308. The isoleucine at codon 770 is replaced by valine, an amino acid with highly similar properties. This amino acid position is well conserved in available vertebrate species; however, valine is the reference amino acid in other vertebrate species. In addition, this alteration is predicted to be tolerated by in silico analysis. Since supporting evidence is limited at this time, the clinical significance of this alteration remains unclear.